The following is an entry in ClinVar:

ClinVar aggregate classification (germline): Benign/Likely benign. Review status: criteria provided, multiple submitters, no conflicts (2 of 4 stars). 6 submissions from 6 submitters: Benign (3); Likely benign (3). Last evaluated 2026-09-01.

Conditions:
Charcot-Marie-Tooth disease dominant intermediate F. Identifiers: Orphanet 352670, MedGen C4749463, MONDO:0014074, OMIM 615185.

Allele frequency attached by ClinVar (database versions not stated): 1000 Genomes Project 30x 0.00062; 1000 Genomes Project 0.00080; TOPMed 0.00144; ESP Exome Variant Server 0.00246; gnomAD exomes 0.00309 and 0.00419; gnomAD 0.00345 and 0.00362; ExAC 0.00444.
gnomAD v4.1: 4,973 of 1,613,740 alleles (0.31%); highest among the groups gnomAD compares: Non-Finnish European, 0.29%; 30 homozygotes.

Submissions (6):

CeGaT Center for Human Genetics Tuebingen
Classification: Likely benign. Last evaluated: 2026-09-01. Review status: criteria provided, single submitter. Criteria: CeGaT Center For Human Genetics Tuebingen Variant Classification Criteria Version 2. Collection method: clinical testing. Allele origin: germline. Affected: yes. Observed: 16 variant alleles.
Comment: GNB4: BS2

Labcorp Genetics (formerly Invitae), Labcorp
Classification: Benign for Charcot-Marie-Tooth disease dominant intermediate F. Last evaluated: 2026-01-24. Review status: criteria provided, single submitter. Criteria: Invitae Variant Classification Sherloc (09022015). Collection method: clinical testing. Allele origin: germline.

ARUP Laboratories, Molecular Genetics and Genomics, ARUP Laboratories
Classification: Benign for Charcot-Marie-Tooth disease dominant intermediate F. Last evaluated: 2020-12-23. Review status: criteria provided, single submitter. Criteria: ARUP Molecular Germline Variant Investigation Process 2021. Collection method: clinical testing. Allele origin: germline.

GeneDx
Classification: Likely benign. Last evaluated: 2020-07-13. Review status: criteria provided, single submitter. Criteria: GeneDx Variant Classification Process June 2021. Collection method: clinical testing. Allele origin: germline. Affected: yes.

Mayo Clinic Laboratories, Mayo Clinic
Classification: Benign. Last evaluated: 2016-10-27. Review status: criteria provided, single submitter. Criteria: ACMG Guidelines, 2015. Collection method: clinical testing. Allele origin: germline. Observed: 12 variant alleles.

Breakthrough Genomics
Classification: Likely benign. Review status: criteria provided, single submitter. Criteria: ACMG Guidelines, 2015. Collection method: not provided. Allele origin: germline. Inheritance: Autosomal dominant inheritance. Affected: yes.

NM_021629.4(GNB4):c.958G>A (p.Val320Ile)

Gene: GNB4 (G protein subunit beta 4; minus strand). Cytogenetic location: 3q26.33.
Variant type: single nucleotide variant.
Coding change: c.958G>A on transcript NM_021629.4 (MANE Select); coding-DNA position 958, G replaced by A.
Protein change: p.Val320Ile; replaces valine 320 with isoleucine.
Molecular consequence: missense variant.
Genome position (GRCh38, 1-based): chr3:179,401,278, C>T on the plus strand (G>A on the coding strand, the complement: GNB4 is on the minus strand). VCF-style: chr3-179401278-C-T. GRCh37 (hg19) VCF-style: chr3-179119066-C-T.
Other names: p.Val320Ile; short protein forms V320I.
Identifiers: ClinVar variation 414882 (VCV000414882.48), dbSNP rs61750380, ClinGen allele CA2712363.
Genomic context (GRCh38, chr3:179,401,278, plus strand): 5'-TCCAGATTCTAAGAAAACTGTCCCAAGAGCCTGTTGCCACAGCCATGCCATCATCAGTTA[C>T]ACCTAAGCAGCTCACACGGTTGTCATGACCAGCAAGGACACCTGAAAAAAAAATTCAGTA-3'
Protein context (NP_067642.1, residues 310-330): GHDNRVSCLG[Val320Ile]TDDGMAVATG